The following is an entry in ClinVar:

NM_001844.5(COL2A1):c.944G>C (p.Gly315Ala)

Gene: COL2A1 (collagen type II alpha 1 chain; minus strand). Cytogenetic location: 12q13.11.
Variant type: single nucleotide variant.
Coding change: c.944G>C on transcript NM_001844.5 (MANE Select); coding-DNA position 944, G replaced by C.
Protein change: p.Gly315Ala; replaces glycine 315 with alanine.
Molecular consequence: missense variant.
Genome position (GRCh38, 1-based): chr12:47,993,483, C>G on the plus strand (G>C on the coding strand, the complement: COL2A1 is on the minus strand). VCF-style: chr12-47993483-C-G. GRCh37 (hg19) VCF-style: chr12-48387266-C-G.
Other names: c.737G>C, p.Gly246Ala (NM_033150.3); short protein forms G315A, G246A.
Identifiers: ClinVar variation 4777099 (VCV004777099.1).

ClinVar aggregate classification (germline): Likely pathogenic (1 of 4 stars; one submission).

Submission:

Labcorp Genetics (formerly Invitae), Labcorp
Classification: Likely pathogenic. Last evaluated: 2026-01-02. Review status: criteria provided, single submitter. Criteria: Invitae Variant Classification Sherloc (09022015). Collection method: clinical testing. Allele origin: germline.
Comment: This sequence change replaces glycine, which is neutral and non-polar, with alanine, which is neutral and non-polar, at codon 315 of the COL2A1 protein (p.Gly315Ala). This variant is not present in population databases (gnomAD no frequency). This variant has not been reported in the literature in individuals affected with COL2A1-related conditions. Invitae Evidence Modeling of protein sequence and biophysical properties (such as structural, functional, and spatial information, amino acid conservation, physicochemical variation, residue mobility, and thermodynamic stability) indicates that this missense variant is expected to disrupt COL2A1 protein function with a positive predictive value of 95%. This variant disrupts the triple helix domain of COL2A1. Glycine residues within the Gly-Xaa-Yaa repeats of the triple helix domain are required for the structure and stability of fibrillar collagens (PMID: 7695699, 8218237, 19344236). In COL2A1, variants affecting these glycine residues are significantly enriched in individuals with disease (PMID: 9016532, 17078022) compared to the general population (ExAC). In summary, the currently available evidence indicates that the variant is pathogenic, but additional data are needed to prove that conclusively. Therefore, this variant has been classified as Likely Pathogenic.

Literature cited by the submitters: PubMed 7695699; PubMed 8218237; PubMed 19344236; PubMed 9016532; PubMed 17078022.